The following is an entry in ClinVar:

ClinVar aggregate classification (germline): Likely benign (1 of 4 stars; one submission).

gnomAD v4.1: 74 of 1,613,700 alleles (0.0046%); highest among the groups gnomAD compares: Non-Finnish European, 0.0062%; no homozygotes.

Submission:

CeGaT Center for Human Genetics Tuebingen
Classification: Likely benign. Last evaluated: 2024-07-01. Review status: criteria provided, single submitter. Criteria: CeGaT Center For Human Genetics Tuebingen Variant Classification Criteria Version 2. Collection method: clinical testing. Allele origin: germline. Affected: yes. Observed: 1 variant allele.
Comment: GATC: BP4, BP7

NM_176818.3(GATC):c.336G>A (p.Glu112=)

Gene: GATC (glutamyl-tRNA amidotransferase subunit C; plus strand). Cytogenetic location: 12q24.31.
Variant type: single nucleotide variant.
Coding change: c.336G>A on transcript NM_176818.3 (MANE Select); coding-DNA position 336, G replaced by A.
Protein change: p.Glu112=; no amino-acid change (glutamic acid 112 retained).
Molecular consequence: synonymous variant. On other transcripts: non-coding transcript variant (1).
Genome position (GRCh38, 1-based): chr12:120,457,157, G>A. VCF-style: chr12-120457157-G-A. GRCh37 (hg19) VCF-style: chr12-120894960-G-A.
Identifiers: ClinVar variation 3257097 (VCV003257097.17).